The following is an entry in ClinVar:

ClinVar aggregate classification (germline): Uncertain significance (1 of 4 stars; one submission).

Conditions:
Cardiovascular phenotype. Identifiers: MedGen CN230736.
Hereditary cancer-predisposing syndrome. Also called: Neoplastic Syndromes, Hereditary; Tumor predisposition; Hereditary Cancer Syndrome; Hereditary neoplastic syndrome. Identifiers: Orphanet 140162, MedGen C0027672, MeSH D009386, MONDO:0015356.

Submission:

Ambry Genetics
Classification: Uncertain significance for Cardiovascular phenotype; Hereditary cancer-predisposing syndrome. Last evaluated: 2025-11-18. Review status: criteria provided, single submitter. Criteria: Ambry Variant Classification Scheme 2023. Collection method: clinical testing. Allele origin: germline.
Comment: The p.N44D variant (also known as c.130A>G), located in coding exon 1 of the LZTR1 gene, results from an A to G substitution at nucleotide position 130. The asparagine at codon 44 is replaced by aspartic acid, an amino acid with highly similar properties. This amino acid position is conserved. In addition, this alteration is predicted to be tolerated by in silico analysis. Based on the available evidence, the clinical significance of this variant remains unclear.

NM_006767.4(LZTR1):c.130A>G (p.Asn44Asp)

Gene: LZTR1 (leucine zipper like post translational regulator 1; plus strand). Cytogenetic location: 22q11.21.
Variant type: single nucleotide variant.
Coding change: c.130A>G on transcript NM_006767.4 (MANE Select); coding-DNA position 130, A replaced by G.
Protein change: p.Asn44Asp; replaces asparagine 44 with aspartic acid.
Molecular consequence: missense variant.
Genome position (GRCh38, 1-based): chr22:20,982,501, A>G. VCF-style: chr22-20982501-A-G. GRCh37 (hg19) VCF-style: chr22-21336790-A-G.
Other names: short protein forms N44D.
Identifiers: ClinVar variation 4615665 (VCV004615665.1).